The following is an entry in ClinVar:

NM_015512.5(DNAH1):c.10652G>C (p.Gly3551Ala)

Gene: DNAH1 (dynein axonemal heavy chain 1; plus strand). Cytogenetic location: 3p21.1.
Variant type: single nucleotide variant.
Coding change: c.10652G>C on transcript NM_015512.5 (MANE Select); coding-DNA position 10652, G replaced by C.
Protein change: p.Gly3551Ala; replaces glycine 3551 with alanine.
Molecular consequence: missense variant.
Genome position (GRCh38, 1-based): chr3:52,394,490, G>C. VCF-style: chr3-52394490-G-C. GRCh37 (hg19) VCF-style: chr3-52428506-G-C.
Other names: short protein forms G3551A.
Identifiers: ClinVar variation 946636 (VCV000946636.7), dbSNP rs1407846110, ClinGen allele CA353205297.

ClinVar aggregate classification (germline): Uncertain significance (1 of 4 stars; one submission).

Conditions:
Spermatogenic failure 18. Identifiers: MedGen C4539783, MONDO:0054615, OMIM 617576.
Ciliary dyskinesia, primary, 37 (CILD37). Also called: CILIARY DYSKINESIA, PRIMARY, 37, WITH OR WITHOUT SITUS INVERSUS. Identifiers: MedGen C4539798, MONDO:0033204, OMIM 617577.

Submission:

Labcorp Genetics (formerly Invitae), Labcorp
Classification: Uncertain significance for Ciliary dyskinesia, primary, 37; Spermatogenic failure 18. Last evaluated: 2019-07-06. Review status: criteria provided, single submitter. Criteria: Invitae Variant Classification Sherloc (09022015). Collection method: clinical testing. Allele origin: germline.
Comment: Algorithms developed to predict the effect of missense changes on protein structure and function are either unavailable or do not agree on the potential impact of this missense change (SIFT: "Deleterious"; PolyPhen-2: "Probably Damaging"; Align-GVGD: "Class C0"). In summary, the available evidence is currently insufficient to determine the role of this variant in disease. Therefore, it has been classified as a Variant of Uncertain Significance. This variant has not been reported in the literature in individuals with DNAH1-related conditions. This variant is not present in population databases (ExAC no frequency). This sequence change replaces glycine with alanine at codon 3551 of the DNAH1 protein (p.Gly3551Ala). The glycine residue is highly conserved and there is a small physicochemical difference between glycine and alanine.